The following is an entry in ClinVar:

ClinVar aggregate classification (germline): Uncertain significance (1 of 4 stars; one submission).

Conditions:
Myofibrillar myopathy 6. Identifiers: Orphanet 199340, MedGen C2751831, MONDO:0013061, OMIM 612954.
Dilated cardiomyopathy 1HH (CMD1HH). Identifiers: Orphanet 154, MedGen C3151293, MONDO:0013479, OMIM 613881.

gnomAD v4.1: 3 of 1,614,118 alleles (0.00019%); highest among the groups gnomAD compares: African/African-American, 0.004%; no homozygotes.

Submission:

Labcorp Genetics (formerly Invitae), Labcorp
Classification: Uncertain significance for Dilated cardiomyopathy 1HH; Myofibrillar myopathy 6. Last evaluated: 2025-09-23. Review status: criteria provided, single submitter. Criteria: Invitae Variant Classification Sherloc (09022015). Collection method: clinical testing. Allele origin: germline.
Comment: This sequence change replaces proline, which is neutral and non-polar, with serine, which is neutral and polar, at codon 78 of the BAG3 protein (p.Pro78Ser). This variant is present in population databases (no rsID available, gnomAD 0.01%). This variant has not been reported in the literature in individuals affected with BAG3-related conditions. Invitae Evidence Modeling of protein sequence and biophysical properties (such as structural, functional, and spatial information, amino acid conservation, physicochemical variation, residue mobility, and thermodynamic stability) indicates that this missense variant is not expected to disrupt BAG3 protein function with a negative predictive value of 80%. In summary, the available evidence is currently insufficient to determine the role of this variant in disease. Therefore, it has been classified as a Variant of Uncertain Significance.

NM_004281.4(BAG3):c.232C>T (p.Pro78Ser)

Gene: BAG3 (BAG cochaperone 3; plus strand). Cytogenetic location: 10q26.11.
Variant type: single nucleotide variant.
Coding change: c.232C>T on transcript NM_004281.4 (MANE Select); coding-DNA position 232, C replaced by T.
Protein change: p.Pro78Ser; replaces proline 78 with serine.
Molecular consequence: missense variant.
Genome position (GRCh38, 1-based): chr10:119,669,902, C>T. VCF-style: chr10-119669902-C-T. GRCh37 (hg19) VCF-style: chr10-121429414-C-T.
Other names: short protein forms P78S.
Identifiers: ClinVar variation 4787488 (VCV004787488.1).